The following is an entry in ClinVar:

NM_012469.4(PRPF6):c.2752G>C (p.Asp918His)

Gene: PRPF6 (pre-mRNA processing factor 6; plus strand). Cytogenetic location: 20q13.33.
Variant type: single nucleotide variant.
Coding change: c.2752G>C on transcript NM_012469.4 (MANE Select); coding-DNA position 2752, G replaced by C.
Protein change: p.Asp918His; replaces aspartic acid 918 with histidine.
Molecular consequence: missense variant.
Genome position (GRCh38, 1-based): chr20:64,032,919, G>C. VCF-style: chr20-64032919-G-C. GRCh37 (hg19) VCF-style: chr20-62664272-G-C.
Other names: short protein forms D918H.
Identifiers: ClinVar variation 953277 (VCV000953277.10), dbSNP rs765346207, ClinGen allele CA9972594.

ClinVar aggregate classification (germline): Uncertain significance. Review status: criteria provided, multiple submitters, no conflicts (2 of 4 stars). 2 submissions from 2 submitters: Uncertain significance (2). Last evaluated 2022-03-23.

Allele frequency attached by ClinVar (database versions not stated): ExAC 0.00001; TOPMed 0.00001; gnomAD exomes 0.00002.
gnomAD v4.1: 6 of 1,613,420 alleles (0.00037%); highest among the groups gnomAD compares: Admixed American, 0.01%; no homozygotes.

Submissions (2):

Ambry Genetics
Classification: Uncertain significance. Last evaluated: 2022-03-23. Review status: criteria provided, single submitter. Criteria: Ambry Variant Classification Scheme 2023. Collection method: clinical testing. Allele origin: germline.

Labcorp Genetics (formerly Invitae), Labcorp
Classification: Uncertain significance. Last evaluated: 2019-09-11. Review status: criteria provided, single submitter. Criteria: Invitae Variant Classification Sherloc (09022015). Collection method: clinical testing. Allele origin: germline.
Comment: This sequence change replaces aspartic acid with histidine at codon 918 of the PRPF6 protein (p.Asp918His). The aspartic acid residue is moderately conserved and there is a moderate physicochemical difference between aspartic acid and histidine. This variant is present in population databases (rs765346207, ExAC 0.009%). This variant has not been reported in the literature in individuals with PRPF6-related conditions. Algorithms developed to predict the effect of missense changes on protein structure and function (SIFT, PolyPhen-2, Align-GVGD) all suggest that this variant is likely to be tolerated, but these predictions have not been confirmed by published functional studies and their clinical significance is uncertain. In summary, the available evidence is currently insufficient to determine the role of this variant in disease. Therefore, it has been classified as a Variant of Uncertain Significance.